The following is an entry in ClinVar:

NM_005592.4(MUSK):c.2539C>A (p.Pro847Thr)

Gene: MUSK (muscle associated receptor tyrosine kinase; plus strand). Cytogenetic location: 9q31.3.
Variant type: single nucleotide variant.
Coding change: c.2539C>A on transcript NM_005592.4 (MANE Select); coding-DNA position 2539, C replaced by A.
Protein change: p.Pro847Thr; replaces proline 847 with threonine.
Molecular consequence: missense variant.
Genome position (GRCh38, 1-based): chr9:110,800,917, C>A. VCF-style: chr9-110800917-C-A. GRCh37 (hg19) VCF-style: chr9-113563197-C-A.
Other names: c.2281C>A, p.Pro761Thr (NM_001166280.2); c.2251C>A, p.Pro751Thr (NM_001166281.2); c.1279C>A, p.Pro427Thr (NM_001369398.1); short protein forms P847T, P427T, P751T, P761T.
Identifiers: ClinVar variation 476143 (VCV000476143.1), dbSNP rs760757288, ClinGen allele CA5184647.

ClinVar aggregate classification (germline): Uncertain significance (1 of 4 stars; one submission).

Conditions:
Congenital myasthenic syndrome 9. Also called: Myasthenic syndrome, congenital, 9, associated with acetylcholine receptor deficiency. Identifiers: Orphanet 590, MedGen C4225368, MONDO:0014587, OMIM 616325.
Fetal akinesia deformation sequence 1 (FADS1). Also called: Pena-Shokeir syndrome type I; Fetal akinesia sequence. Identifiers: Orphanet 994, MedGen C1276035, MONDO:0100101, OMIM 208150, HP:0001989.

Allele frequency attached by ClinVar (database versions not stated): gnomAD exomes 0.00002 and 0.00004; ExAC 0.00006.
gnomAD v4.1: 14 of 1,539,666 alleles (0.00091%); highest among the groups gnomAD compares: Non-Finnish European, 0.00079%; no homozygotes.

Submission:

Labcorp Genetics (formerly Invitae), Labcorp
Classification: Uncertain significance for Congenital myasthenic syndrome 9; Fetal akinesia deformation sequence 1. Last evaluated: 2017-07-10. Review status: criteria provided, single submitter. Criteria: Invitae Variant Classification Sherloc (09022015). Collection method: clinical testing. Allele origin: germline.
Comment: This sequence change replaces proline with threonine at codon 847 of the MUSK protein (p.Pro847Thr). The proline residue is highly conserved and there is a small physicochemical difference between proline and threonine. This variant is present in population databases (rs760757288, ExAC 0.02%) but has not been reported in the literature in individuals with a MUSK-related disease. Algorithms developed to predict the effect of missense changes on protein structure and function do not agree on the potential impact of this missense change (SIFT: "Deleterious"; PolyPhen-2: "Probably Damaging"; Align-GVGD: "Class C0"). In summary, this variant is a rare missense change with uncertain impact on protein function. There is no indication that it causes disease, but the available evidence is currently insufficient to prove that conclusively. Therefore, it has been classified as a Variant of Uncertain Significance.